The following is an entry in ClinVar:

NM_000254.3(MTR):c.2671G>A (p.Val891Met)

Gene: MTR (5-methyltetrahydrofolate-homocysteine methyltransferase; plus strand). Cytogenetic location: 1q43.
Variant type: single nucleotide variant.
Coding change: c.2671G>A on transcript NM_000254.3 (MANE Select); coding-DNA position 2671, G replaced by A.
Protein change: p.Val891Met; replaces valine 891 with methionine.
Molecular consequence: missense variant.
Genome position (GRCh38, 1-based): chr1:236,880,831, G>A. VCF-style: chr1-236880831-G-A. GRCh37 (hg19) VCF-style: chr1-237044131-G-A.
Other names: c.2518G>A, p.Val840Met (NM_001291939.1); c.1450G>A, p.Val484Met (NM_001291940.2); c.2482G>A, p.Val828Met (NM_001410942.1); short protein forms V484M, V828M, V891M, V840M.
Identifiers: ClinVar variation 2131437 (VCV002131437.4), dbSNP rs1665691972, ClinGen allele CA345383293.

ClinVar aggregate classification (germline): Uncertain significance (1 of 4 stars; one submission).

Conditions:
Methylcobalamin deficiency type cblG (HMAG). Also called: HOMOCYSTINURIA-MEGALOBLASTIC ANEMIA, cblG TYPE; HOMOCYSTINURIA-MEGALOBLASTIC ANEMIA, cblG COMPLEMENTATION TYPE; Functional methionine synthase deficiency type cblG; HOMOCYSTINURIA-MEGALOBLASTIC ANEMIA DUE TO DEFECT IN COBALAMIN METABOLISM, cblG COMPLEMENTATION TYPE. Identifiers: Orphanet 2170, Orphanet 622, MedGen C1855128, MONDO:0009609, OMIM 250940.

Allele frequency attached by ClinVar (database versions not stated): TOPMed below 0.00001; gnomAD 0.00001.
gnomAD v4.1: 1 of 1,613,706 alleles (0.000062%); highest among the groups gnomAD compares: Non-Finnish European, 0.000085%; no homozygotes.

Submission:

Labcorp Genetics (formerly Invitae), Labcorp
Classification: Uncertain significance for Methylcobalamin deficiency type cblG. Last evaluated: 2022-04-28. Review status: criteria provided, single submitter. Criteria: Invitae Variant Classification Sherloc (09022015). Collection method: clinical testing. Allele origin: germline.
Comment: This variant has not been reported in the literature in individuals affected with MTR-related conditions. This variant is not present in population databases (gnomAD no frequency). This sequence change replaces valine, which is neutral and non-polar, with methionine, which is neutral and non-polar, at codon 891 of the MTR protein (p.Val891Met). In summary, the available evidence is currently insufficient to determine the role of this variant in disease. Therefore, it has been classified as a Variant of Uncertain Significance. Algorithms developed to predict the effect of missense changes on protein structure and function are either unavailable or do not agree on the potential impact of this missense change (SIFT: "Deleterious"; PolyPhen-2: "Probably Damaging"; Align-GVGD: "Class C15").